The following is an entry in ClinVar:

NM_001287491.2(TET3):c.3657G>C (p.Lys1219Asn)

Gene: TET3 (tet methylcytosine dioxygenase 3; plus strand). Cytogenetic location: 2p13.1.
Variant type: single nucleotide variant.
Coding change: c.3657G>C on transcript NM_001287491.2 (MANE Select); coding-DNA position 3657, G replaced by C.
Protein change: p.Lys1219Asn; replaces lysine 1219 with asparagine.
Molecular consequence: missense variant.
Genome position (GRCh38, 1-based): chr2:74,100,445, G>C. VCF-style: chr2-74100445-G-C. GRCh37 (hg19) VCF-style: chr2-74327572-G-C.
Other names: c.3378G>C, p.Lys1126Asn (NM_001366022.1); short protein forms K1126N, K1219N.
Identifiers: ClinVar variation 3766021 (VCV003766021.1).

ClinVar aggregate classification (germline): Uncertain significance (1 of 4 stars; one submission).

gnomAD v4.1: 2 of 1,580,302 alleles (0.00013%); highest among the groups gnomAD compares: South Asian, 0.0012%; no homozygotes.

Submission:

GeneDx
Classification: Uncertain significance. Last evaluated: 2024-08-31. Review status: criteria provided, single submitter. Criteria: GeneDx Variant Classification Process June 2021. Collection method: clinical testing. Allele origin: germline. Affected: yes.
Comment: Not observed at significant frequency in large population cohorts (gnomAD); In silico analysis supports that this missense variant has a deleterious effect on protein structure/function; Has not been previously published as pathogenic or benign to our knowledge